The following is an entry in ClinVar:

NM_000458.4(HNF1B):c.191C>T (p.Thr64Ile)

Gene: HNF1B (HNF1 homeobox B; minus strand). Cytogenetic location: 17q12.
Variant type: single nucleotide variant.
Coding change: c.191C>T on transcript NM_000458.4 (MANE Select); coding-DNA position 191, C replaced by T.
Protein change: p.Thr64Ile; replaces threonine 64 with isoleucine.
Molecular consequence: missense variant.
Genome position (GRCh38, 1-based): chr17:37,744,694, G>A on the plus strand (C>T on the coding strand, the complement: HNF1B is on the minus strand). VCF-style: chr17-37744694-G-A. GRCh37 (hg19) VCF-style: chr17-36104685-G-A.
Other names: c.191C>T, p.Thr64Ile (NM_001165923.4, NM_001304286.2, NM_001411100.1); short protein forms T64I.
Identifiers: ClinVar variation 3614917 (VCV003614917.2).
Genomic context (GRCh38, chr17:37,744,694, plus strand): 5'-TCGCCGTCCTCGGAGCCCTCGTCGCCGGACAAGCGGCCCTTGGCGTGGCCGTTGGTGAGA[G>A]TATGGAAGACCGGCTTGGTGTCGGGCTCGGCCCCGCTGCCAGGGGACAGGGGCAGCGTCT-3'
Protein context (NP_000449.1, residues 54-74): AEPDTKPVFH[Thr64Ile]LTNGHAKGRL

ClinVar aggregate classification (germline): Uncertain significance (1 of 4 stars; one submission).

gnomAD v4.1: 1 of 1,613,578 alleles (0.000062%); highest among the groups gnomAD compares: Non-Finnish European, 0.000085%; no homozygotes.

Submission:

Labcorp Genetics (formerly Invitae), Labcorp
Classification: Uncertain significance. Last evaluated: 2024-09-09. Review status: criteria provided, single submitter. Criteria: Invitae Variant Classification Sherloc (09022015). Collection method: clinical testing. Allele origin: germline.
Comment: This sequence change replaces threonine, which is neutral and polar, with isoleucine, which is neutral and non-polar, at codon 64 of the HNF1B protein (p.Thr64Ile). This variant is not present in population databases (gnomAD no frequency). This variant has not been reported in the literature in individuals affected with HNF1B-related conditions. Invitae Evidence Modeling of protein sequence and biophysical properties (such as structural, functional, and spatial information, amino acid conservation, physicochemical variation, residue mobility, and thermodynamic stability) indicates that this missense variant is expected to disrupt HNF1B protein function with a positive predictive value of 95%. In summary, the available evidence is currently insufficient to determine the role of this variant in disease. Therefore, it has been classified as a Variant of Uncertain Significance.